The following is an entry in ClinVar:

ClinVar aggregate classification (germline): Uncertain significance (1 of 4 stars; one submission).

Submission:

Labcorp Genetics (formerly Invitae), Labcorp
Classification: Uncertain significance. Last evaluated: 2025-10-13. Review status: criteria provided, single submitter. Criteria: Invitae Variant Classification Sherloc (09022015). Collection method: clinical testing. Allele origin: germline.
Comment: This sequence change replaces alanine, which is neutral and non-polar, with threonine, which is neutral and polar, at codon 718 of the DLC1 protein (p.Ala718Thr). This variant is not present in population databases (gnomAD no frequency). This variant has not been reported in the literature in individuals affected with DLC1-related conditions. ClinVar contains an entry for this variant (Variation ID: 2779127). An algorithm developed to predict the effect of missense changes on protein structure and function outputs the following: PolyPhen-2: "Benign". The threonine amino acid residue is found in multiple mammalian species, which suggests that this missense change does not adversely affect protein function. In summary, the available evidence is currently insufficient to determine the role of this variant in disease. Therefore, it has been classified as a Variant of Uncertain Significance.

NM_182643.3(DLC1):c.2152G>A (p.Ala718Thr)

Gene: DLC1 (DLC1 Rho GTPase activating protein; minus strand). Cytogenetic location: 8p22.
Variant type: single nucleotide variant.
Coding change: c.2152G>A on transcript NM_182643.3 (MANE Select); coding-DNA position 2152, G replaced by A.
Protein change: p.Ala718Thr; replaces alanine 718 with threonine.
Molecular consequence: missense variant.
Genome position (GRCh38, 1-based): chr8:13,100,185, C>T on the plus strand (G>A on the coding strand, the complement: DLC1 is on the minus strand). VCF-style: chr8-13100185-C-T. GRCh37 (hg19) VCF-style: chr8-12957694-C-T.
Other names: c.619G>A, p.Ala207Thr (NM_001164271.2, NM_001348082.2, NM_001348083.1 and 6 more transcripts); c.943G>A, p.Ala315Thr (NM_001316668.2, NM_001413129.1); c.2152G>A, p.Ala718Thr (NM_001348081.2, NM_001413124.1); c.841G>A, p.Ala281Thr (NM_001413136.1, NM_001413139.1, NM_006094.5 and 1 more transcripts); c.592G>A, p.Ala198Thr (NM_001413137.1, NM_001413131.1); c.976G>A, p.Ala326Thr (NM_001413140.1); c.934G>A, p.Ala312Thr (NM_001413130.1); c.1078G>A, p.Ala360Thr (NM_001413132.1); short protein forms A718T, A198T, A281T, A312T, A315T, A207T, A326T, A360T.
Identifiers: ClinVar variation 2779127 (VCV002779127.3), dbSNP rs2537076799, ClinGen allele CA370346606.